The following is an entry in ClinVar:

NM_000487.6(ARSA):c.205T>C (p.Ser69Pro)

Gene: ARSA (arylsulfatase A; minus strand). Cytogenetic location: 22q13.33.
Variant type: single nucleotide variant.
Coding change: c.205T>C on transcript NM_000487.6 (MANE Select); coding-DNA position 205, T replaced by C.
Protein change: p.Ser69Pro; replaces serine 69 with proline.
Molecular consequence: missense variant. On other transcripts: intron variant (2).
Genome position (GRCh38, 1-based): chr22:50,627,575, A>G on the plus strand (T>C on the coding strand, the complement: ARSA is on the minus strand). VCF-style: chr22-50627575-A-G. GRCh37 (hg19) VCF-style: chr22-51066003-A-G.
Other names: c.205T>C, p.Ser69Pro (NM_001085425.3, NM_001085426.3, NM_001085427.3); c.-34-169T>C (NM_001362782.2, NM_001085428.3); short protein forms S69P.
Identifiers: ClinVar variation 1513163 (VCV001513163.6), dbSNP rs2146727641, ClinGen allele CA412182203.

ClinVar aggregate classification (germline): Uncertain significance (1 of 4 stars; one submission).

Conditions:
Metachromatic leukodystrophy (MLD). Also called: Cerebral sclerosis diffuse metachromatic form; Arylsulfatase A Deficiency; METACHROMATIC LEUKOENCEPHALOPATHY; SULFATIDE LIPIDOSIS; ARSA DEFICIENCY; CEREBROSIDE SULFATASE DEFICIENCY. Identifiers: Orphanet 512, MedGen C0023522, MONDO:0018868, OMIM 250100.

Submission:

Labcorp Genetics (formerly Invitae), Labcorp
Classification: Uncertain significance for Metachromatic leukodystrophy. Last evaluated: 2021-08-16. Review status: criteria provided, single submitter. Criteria: Invitae Variant Classification Sherloc (09022015). Collection method: clinical testing. Allele origin: germline.
Comment: In summary, the available evidence is currently insufficient to determine the role of this variant in disease. Therefore, it has been classified as a Variant of Uncertain Significance. Algorithms developed to predict the effect of missense changes on protein structure and function output the following: SIFT: "Tolerated"; PolyPhen-2: "Benign"; Align-GVGD: "Class C0". The proline amino acid residue is found in multiple mammalian species, which suggests that this missense change does not adversely affect protein function. This variant has not been reported in the literature in individuals affected with ARSA-related conditions. This variant is not present in population databases (ExAC no frequency). This sequence change replaces serine with proline at codon 69 of the ARSA protein (p.Ser69Pro). The serine residue is moderately conserved and there is a moderate physicochemical difference between serine and proline.